The following is an entry in ClinVar:

NM_001267550.2(TTN):c.63747del (p.Asn21250fs)

Genes: TTN-AS1 (TTN antisense RNA 1; plus strand), TTN (titin; minus strand). Cytogenetic location: 2q31.2.
Variant type: Deletion.
Coding change: c.63747del on transcript NM_001267550.2 (MANE Select); coding-DNA position 63747, one base deleted (G; older notation c.63747delG).
Protein change: p.Asn21250fs; shifts the reading frame from asparagine 21250.
Molecular consequence: frameshift variant.
Genome position (GRCh38, 1-based): chr2:178,587,562, C deleted on the plus strand (G on the coding strand, the reverse complement: TTN is on the minus strand). VCF-style (leftmost placement, unchanged base first): chr2-178587561-TC-T. GRCh37 (hg19) VCF-style: chr2-179452288-TC-T.
Other names: c.58824del, p.Asn19609fs (NM_001256850.1); c.36552del, p.Asn12185fs (NM_003319.4); c.56043del, p.Asn18682fs (NM_133378.4); c.36927del, p.Asn12310fs (NM_133432.3); c.37128del, p.Asn12377fs (NM_133437.4); short protein forms N12185fs, N19609fs, N21250fs, N12310fs, N12377fs, N18682fs.
Identifiers: ClinVar variation 2035120 (VCV002035120.4), dbSNP rs2469299349, ClinGen allele CA2580064776.

ClinVar aggregate classification (germline): Likely pathogenic (1 of 4 stars; one submission).

Conditions:
Dilated cardiomyopathy 1G (CMD1G). Identifiers: Orphanet 154, MedGen C1858763, MONDO:0011400, OMIM 604145.
Autosomal recessive limb-girdle muscular dystrophy type 2J (LGMDR10). Also called: Limb-girdle muscular dystrophy, type 2J; MUSCULAR DYSTROPHY, LIMB-GIRDLE, AUTOSOMAL RECESSIVE 10. Identifiers: Orphanet 140922, MedGen C1837342, MONDO:0012127, OMIM 608807.

Submission:

Labcorp Genetics (formerly Invitae), Labcorp
Classification: Likely pathogenic for Dilated cardiomyopathy 1G; Autosomal recessive limb-girdle muscular dystrophy type 2J. Last evaluated: 2024-10-18. Review status: criteria provided, single submitter. Criteria: Invitae Variant Classification Sherloc (09022015). Collection method: clinical testing. Allele origin: germline.
Comment: This sequence change creates a premature translational stop signal (p.Asn21250Thrfs*10) in the TTN gene. While this is not anticipated to result in nonsense mediated decay, it is expected to create a truncated TTN protein. This variant is not present in population databases (gnomAD no frequency). This variant has not been reported in the literature in individuals affected with TTN-related conditions. ClinVar contains an entry for this variant (Variation ID: 2035120). This variant is located in the A band of TTN (PMID: 25589632). Truncating variants in this region are significantly overrepresented in patients affected with dilated cardiomyopathy (PMID: 25589632). Truncating variants in this region have also been reported in individuals affected with autosomal recessive centronuclear myopathy (PMID: 23975875). In summary, the currently available evidence indicates that the variant is pathogenic, but additional data are needed to prove that conclusively. Therefore, this variant has been classified as Likely Pathogenic.

Literature cited by the submitters: PubMed 25589632; PubMed 23975875.